The following is an entry in ClinVar:

ClinVar aggregate classification (germline): Uncertain significance (1 of 4 stars; one submission).

gnomAD v4.1: 1 of 1,614,000 alleles (0.000062%); no homozygotes.

Submission:

GeneDx
Classification: Uncertain significance. Last evaluated: 2024-03-13. Review status: criteria provided, single submitter. Criteria: GeneDx Variant Classification Process June 2021. Collection method: clinical testing. Allele origin: germline. Affected: yes.
Comment: Not observed at significant frequency in large population cohorts (gnomAD); In silico analysis supports that this missense variant has a deleterious effect on protein structure/function; Occurs in the triple helical domain at the X position in the canonical Gly-X-Y repeat; although this variant may have an effect on normal protein folding and function, missense substitution at the X position is not a common mechanism of disease (HGMD); Has not been previously published as pathogenic or benign to our knowledge

NM_000089.4(COL1A2):c.2471A>G (p.Asp824Gly)

Gene: COL1A2 (collagen type I alpha 2 chain; plus strand). Cytogenetic location: 7q21.3.
Variant type: single nucleotide variant.
Coding change: c.2471A>G on transcript NM_000089.4 (MANE Select); coding-DNA position 2471, A replaced by G.
Protein change: p.Asp824Gly; replaces aspartic acid 824 with glycine.
Molecular consequence: missense variant.
Genome position (GRCh38, 1-based): chr7:94,423,024, A>G. VCF-style: chr7-94423024-A-G. GRCh37 (hg19) VCF-style: chr7-94052336-A-G.
Other names: short protein forms D824G.
Identifiers: ClinVar variation 3370630 (VCV003370630.1).